The following is an entry in ClinVar:

ClinVar aggregate classification (germline): Pathogenic (1 of 4 stars; one submission).

Submission:

Labcorp Genetics (formerly Invitae), Labcorp
Classification: Pathogenic. Last evaluated: 2023-06-17. Review status: criteria provided, single submitter. Criteria: Invitae Variant Classification Sherloc (09022015). Collection method: clinical testing. Allele origin: germline.
Comment: This sequence change creates a premature translational stop signal (p.Gln4282Glufs*3) in the ADGRV1 gene. It is expected to result in an absent or disrupted protein product. Loss-of-function variants in ADGRV1 are known to be pathogenic (PMID: 19357117, 22135276, 22147658, 26226137, 30718709, 31047384, 32467589). This variant is not present in population databases (gnomAD no frequency). This variant has not been reported in the literature in individuals affected with ADGRV1-related conditions. For these reasons, this variant has been classified as Pathogenic.

Literature cited by the submitters: PubMed 19357117; PubMed 22135276; PubMed 22147658; PubMed 26226137; PubMed 30718709; PubMed 31047384; PubMed 32467589.

NM_032119.4(ADGRV1):c.12844_12845del (p.Gln4282fs)

Gene: ADGRV1 (adhesion G protein-coupled receptor V1; plus strand). Cytogenetic location: 5q14.3.
Variant type: Microsatellite.
Coding change: c.12844_12845del on transcript NM_032119.4 (MANE Select); coding-DNA positions 12844 to 12845, 2 bases deleted (CA; older notation c.12844_12845delCA).
Protein change: p.Gln4282fs; shifts the reading frame from glutamine 4282.
Molecular consequence: frameshift variant. On other transcripts: non-coding transcript variant (1).
Genome position (GRCh38, 1-based): chr5:90,778,604-90,778,605, CA deleted; deleting any 2 consecutive bases within chr5:90,778,602-90,778,605 gives the same sequence; the c. name uses the placement nearest the transcript's 3' end. VCF-style (leftmost placement, unchanged base first): chr5-90778601-GCA-G. GRCh37 (hg19) VCF-style: chr5-90074418-GCA-G.
Other names: short protein forms Q4282fs.
Identifiers: ClinVar variation 2718559 (VCV002718559.3), dbSNP rs2531868360, ClinGen allele CA2697546253.